The following is an entry in ClinVar:

NM_006231.4(POLE):c.3276-1G>A

Gene: POLE (DNA polymerase epsilon, catalytic subunit; minus strand). Cytogenetic location: 12q24.33.
Variant type: single nucleotide variant.
Coding change: c.3276-1G>A on transcript NM_006231.4 (MANE Select); the canonical splice acceptor site of the intron before coding-DNA position 3276, G replaced by A.
Molecular consequence: splice acceptor variant.
Genome position (GRCh38, 1-based): chr12:132,657,971, C>T on the plus strand (G>A on the coding strand, the complement: POLE is on the minus strand). VCF-style: chr12-132657971-C-T. GRCh37 (hg19) VCF-style: chr12-133234557-C-T.
Identifiers: ClinVar variation 4056102 (VCV004056102.2).

ClinVar aggregate classification (germline): Likely pathogenic (1 of 4 stars; one submission).

Conditions:
Colorectal cancer, susceptibility to, 12 (CRCS12). Also called: COLORECTAL CANCER, SUSCEPTIBILITY TO, ON CHROMOSOME 12q24. Identifiers: Orphanet 220460, MedGen C3554460, MONDO:0014038, OMIM 615083.

Submission:

St. Jude Molecular Pathology, St. Jude Children's Research Hospital
Classification: Likely pathogenic for Colorectal cancer, susceptibility to, 12. Last evaluated: 2025-06-17. Review status: criteria provided, single submitter. Criteria: St. Jude Assertion Criteria 2020. Collection method: clinical testing. Allele origin: germline.
Comment: The POLE c.3276-1G>A intronic change results in a G to A substitution at the -1 position of intron 26 of the POLE gene. This variant is predicted to result in aberrant splicing, resulting in nonsense-mediated decay or an abnormal pr otein product. The disease mechanism for replication-repair-associated DNA polymerases is loss of proofreading caused by missense changes in the exonuclease domain, whereas protein-truncating variants causing loss-of-function are associated with IMAGE-I syndrome (PMID: 23447401, 30503519). This variant is absent in gnomAD v2.1.1. In summary, the evidence currently available is insufficient to determine the clinical significance of this variant. It has therefore been classified as of uncertain significance.